The following is an entry in ClinVar:

NM_003356.4(UCP3):c.682G>A (p.Gly228Ser)

Gene: UCP3 (uncoupling protein 3; minus strand). Cytogenetic location: 11q13.4.
Variant type: single nucleotide variant.
Coding change: c.682G>A on transcript NM_003356.4 (MANE Select); coding-DNA position 682, G replaced by A.
Protein change: p.Gly228Ser; replaces glycine 228 with serine.
Molecular consequence: missense variant.
Genome position (GRCh38, 1-based): chr11:74,003,969, C>T on the plus strand (G>A on the coding strand, the complement: UCP3 is on the minus strand). VCF-style: chr11-74003969-C-T. GRCh37 (hg19) VCF-style: chr11-73715014-C-T.
Other names: c.682G>A, p.Gly228Ser (NM_022803.3); short protein forms G228S.
Identifiers: ClinVar variation 2629661 (VCV002629661.3), dbSNP rs201084007, ClinGen allele CA6181395.

ClinVar aggregate classification (germline): Uncertain significance (0 of 4 stars; one submission).

Conditions:
UCP3-related disorder. Also called: UCP3-related condition.

Allele frequency attached by ClinVar (database versions not stated): gnomAD exomes 0.00002; gnomAD 0.00003; ExAC 0.00006; TOPMed 0.00006.

Submission:

PreventionGenetics, part of Exact Sciences
Classification: Uncertain significance for UCP3-related condition. Last evaluated: 2023-12-08. Review status: no assertion criteria provided. Collection method: clinical testing. Allele origin: germline.
Comment: The UCP3 c.682G>A variant is predicted to result in the amino acid substitution p.Gly228Ser. To our knowledge, this variant has not been reported in the literature. This variant is reported in 0.0047% of alleles in individuals of European (Non-Finnish) descent in gnomAD. At this time, the clinical significance of this variant is uncertain due to the absence of conclusive functional and genetic evidence.